The following is an entry in ClinVar:

ClinVar aggregate classification (germline): Uncertain significance. Review status: criteria provided, multiple submitters, no conflicts (2 of 4 stars). 2 submissions from 2 submitters: Uncertain significance (2). Last evaluated 2024-05-29.

Conditions:
Neurofibromatosis, type 2 (SWNV). Also called: NF2-Related Schwannomatosis; BILATERAL ACOUSTIC NEUROFIBROMATOSIS; SCHWANNOMATOSIS, VESTIBULAR. Identifiers: Orphanet 637, MedGen C0027832, MONDO:0007039, OMIM 101000. Disease mechanism: loss of function.
Hereditary cancer-predisposing syndrome. Also called: Neoplastic Syndromes, Hereditary; Tumor predisposition; Hereditary Cancer Syndrome; Hereditary neoplastic syndrome. Identifiers: Orphanet 140162, MedGen C0027672, MeSH D009386, MONDO:0015356.

Submissions (2):

Ambry Genetics
Classification: Uncertain significance for Hereditary cancer-predisposing syndrome. Last evaluated: 2024-05-29. Review status: criteria provided, single submitter. Criteria: Ambry Variant Classification Scheme 2023. Collection method: clinical testing. Allele origin: germline.

Labcorp Genetics (formerly Invitae), Labcorp
Classification: Uncertain significance for Neurofibromatosis, type 2. Last evaluated: 2022-07-26. Review status: criteria provided, single submitter. Criteria: Invitae Variant Classification Sherloc (09022015). Collection method: clinical testing. Allele origin: germline.
Comment: In summary, the available evidence is currently insufficient to determine the role of this variant in disease. Therefore, it has been classified as a Variant of Uncertain Significance. Algorithms developed to predict the effect of missense changes on protein structure and function are either unavailable or do not agree on the potential impact of this missense change (SIFT: "Tolerated"; PolyPhen-2: "Possibly Damaging"; Align-GVGD: "Class C0"). This variant has not been reported in the literature in individuals affected with NF2-related conditions. This variant is not present in population databases (gnomAD no frequency). This sequence change replaces glycine, which is neutral and non-polar, with cysteine, which is neutral and slightly polar, at codon 502 of the NF2 protein (p.Gly502Cys).

NM_000268.4(NF2):c.1504G>T (p.Gly502Cys)

Gene: NF2 (NF2, moesin-ezrin-radixin like (MERLIN) tumor suppressor; plus strand). Cytogenetic location: 22q12.2.
Variant type: single nucleotide variant.
Coding change: c.1504G>T on transcript NM_000268.4 (MANE Select); coding-DNA position 1504, G replaced by T.
Protein change: p.Gly502Cys; replaces glycine 502 with cysteine.
Molecular consequence: missense variant. On other transcripts: non-coding transcript variant (1), intron variant (1).
Genome position (GRCh38, 1-based): chr22:29,678,253, G>T. VCF-style: chr22-29678253-G-T. GRCh37 (hg19) VCF-style: chr22-30074242-G-T.
Other names: c.1390G>T, p.Gly464Cys (NM_001407053.1, NM_001407056.1); c.1381G>T, p.Gly461Cys (NM_001407054.1, NM_001407058.1, NM_181829.3); c.1378G>T, p.Gly460Cys (NM_001407055.1, NM_181828.3); c.1369G>T, p.Gly457Cys (NM_001407057.1, NM_001407059.1); c.1504G>T, p.Gly502Cys (NM_001407060.1, NM_001407066.1, NM_016418.5 and 2 more transcripts); c.1246G>T, p.Gly416Cys (NM_001407062.1); c.1255G>T, p.Gly419Cys (NM_001407063.1, NM_001407064.1, NM_181830.3 and 1 more transcripts); c.970G>T, p.Gly324Cys (NM_001407065.1); and 2 more; short protein forms G419C, G457C, G464C, G502C, G416C, G461C, G324C, G425C.
Identifiers: ClinVar variation 2073860 (VCV002073860.5), dbSNP rs2518712494, ClinGen allele CA411149659.